The following is an entry in ClinVar:

ClinVar aggregate classification (germline): Conflicting classifications of pathogenicity. Review status: criteria provided, conflicting classifications (1 of 4 stars). 2 submissions from 2 submitters: Uncertain significance (1); Likely benign (1). Last evaluated 2025-10-13.

Conditions:
EGFR-related lung cancer (EGFR). Identifiers: MedGen CN130014.
Hereditary cancer-predisposing syndrome. Also called: Tumor predisposition; Hereditary neoplastic syndrome; Hereditary Cancer Syndrome; Neoplastic Syndromes, Hereditary. Identifiers: Orphanet 140162, MedGen C0027672, MeSH D009386, MONDO:0015356.

Allele frequency attached by ClinVar (database versions not stated): TOPMed 0.00001; ESP Exome Variant Server 0.00008.
gnomAD v4.1: 37 of 1,518,016 alleles (0.0024%); highest among the groups gnomAD compares: Non-Finnish European, 0.0031%; no homozygotes.

Submissions (2):

Labcorp Genetics (formerly Invitae), Labcorp
Classification: Uncertain significance for EGFR-related lung cancer. Last evaluated: 2025-10-13. Review status: criteria provided, single submitter. Criteria: Invitae Variant Classification Sherloc (09022015). Collection method: clinical testing. Allele origin: germline.
Comment: This sequence change replaces alanine, which is neutral and non-polar, with serine, which is neutral and polar, at codon 21 of the EGFR protein (p.Ala21Ser). The frequency data for this variant in the population databases is considered unreliable, as metrics indicate poor data quality at this position in the gnomAD database. This variant has not been reported in the literature in individuals affected with EGFR-related conditions. ClinVar contains an entry for this variant (Variation ID: 938704). An algorithm developed to predict the effect of missense changes on protein structure and function (PolyPhen-2) suggests that this variant is likely to be disruptive. In summary, the available evidence is currently insufficient to determine the role of this variant in disease. Therefore, it has been classified as a Variant of Uncertain Significance.

Ambry Genetics
Classification: Likely benign for Hereditary cancer-predisposing syndrome. Last evaluated: 2025-07-07. Review status: criteria provided, single submitter. Criteria: Ambry Variant Classification Scheme 2023. Collection method: clinical testing. Allele origin: germline.

NM_005228.5(EGFR):c.61G>T (p.Ala21Ser)

Gene: EGFR (epidermal growth factor receptor; plus strand). Cytogenetic location: 7p11.2.
Variant type: single nucleotide variant.
Coding change: c.61G>T on transcript NM_005228.5 (MANE Select); coding-DNA position 61, G replaced by T.
Protein change: p.Ala21Ser; replaces alanine 21 with serine.
Molecular consequence: missense variant.
Genome position (GRCh38, 1-based): chr7:55,019,338, G>T. VCF-style: chr7-55019338-G-T. GRCh37 (hg19) VCF-style: chr7-55087031-G-T.
Other names: c.61G>T, p.Ala21Ser (NM_001346897.2, NM_001346898.2, NM_001346899.2 and 4 more transcripts); short protein forms A21S.
Identifiers: ClinVar variation 938704 (VCV000938704.10), dbSNP rs373129709, ClinGen allele CA4265112.
Genomic context (GRCh38, chr7:55,019,338, plus strand): 5'-ATGCGACCCTCCGGGACGGCCGGGGCAGCGCTCCTGGCGCTGCTGGCTGCGCTCTGCCCG[G>T]CGAGTCGGGCTCTGGAGGAAAAGAAAGGTAAGGGCGTGTCTCGCCGGCTCCCGCGCCGCC-3'
Protein context (NP_005219.2, residues 11-31): LLALLAALCP[Ala21Ser]SRALEEKKVC